The following is an entry in ClinVar:

NM_000090.4(COL3A1):c.582+2T>C

Gene: COL3A1 (collagen type III alpha 1 chain; plus strand). Cytogenetic location: 2q32.2.
Variant type: single nucleotide variant.
Coding change: c.582+2T>C on transcript NM_000090.4 (MANE Select); the canonical splice donor site of the intron after coding-DNA position 582, T replaced by C.
Molecular consequence: splice donor variant.
Genome position (GRCh38, 1-based): chr2:188,988,136, T>C. VCF-style: chr2-188988136-T-C. GRCh37 (hg19) VCF-style: chr2-189852862-T-C.
Identifiers: ClinVar variation 1708315 (VCV001708315.2), dbSNP rs2469113465, ClinGen allele CA349848304.
Genomic context (GRCh38, chr2:188,988,136, plus strand): 5'-TCCAGGGCCCCCCAGGCCCTCCCGGTCCCCCTGGTACATCTGGTCATCCTGGTTCCCCTG[T>C]AAGTATAGCCATTGGTGGTGTTTTCTTCCTCATTTTTAGAAAAATCAAATTAATATATAT-3'

ClinVar aggregate classification (germline): Pathogenic (1 of 4 stars; one submission).

Submission:

Centre of Medical Genetics, University Hospital Muenster
Classification: Pathogenic. Last evaluated: 2021-12-17. Review status: criteria provided, single submitter. Criteria: ACMG Guidelines, 2015. Collection method: clinical testing. Allele origin: unknown. Affected: yes. Observed: 1 variant allele, 1 heterozygote.
Comment: ACMG categories: PVS1,PM2,PP3